The following is an entry in ClinVar:

ClinVar aggregate classification (germline): Uncertain significance (1 of 4 stars; one submission).

gnomAD v4.1: 9 of 1,550,194 alleles (0.00058%); highest among the groups gnomAD compares: East Asian, 0.0024%; no homozygotes.

Submission:

Labcorp Genetics (formerly Invitae), Labcorp
Classification: Uncertain significance. Last evaluated: 2025-04-17. Review status: criteria provided, single submitter. Criteria: Invitae Variant Classification Sherloc (09022015). Collection method: clinical testing. Allele origin: germline.
Comment: This sequence change replaces glutamic acid, which is acidic and polar, with lysine, which is basic and polar, at codon 1542 of the ZNF469 protein (p.Glu1542Lys). This variant is present in population databases (no rsID available, gnomAD 0.004%). This variant has not been reported in the literature in individuals affected with ZNF469-related conditions. An algorithm developed to predict the effect of missense changes on protein structure and function (PolyPhen-2) suggests that this variant is likely to be disruptive. In summary, the available evidence is currently insufficient to determine the role of this variant in disease. Therefore, it has been classified as a Variant of Uncertain Significance.

NM_001367624.2(ZNF469):c.4708G>A (p.Glu1570Lys)

Gene: ZNF469 (zinc finger protein 469; plus strand). Cytogenetic location: 16q24.2.
Variant type: single nucleotide variant.
Coding change: c.4708G>A on transcript NM_001367624.2 (MANE Select); coding-DNA position 4708, G replaced by A.
Protein change: p.Glu1570Lys; replaces glutamic acid 1570 with lysine.
Molecular consequence: missense variant.
Genome position (GRCh38, 1-based): chr16:88,432,178, G>A. VCF-style: chr16-88432178-G-A. GRCh37 (hg19) VCF-style: chr16-88498586-G-A.
Other names: short protein forms E1570K.
Identifiers: ClinVar variation 4782262 (VCV004782262.1).